The following is an entry in ClinVar:

ClinVar aggregate classification (germline): Uncertain significance. Review status: criteria provided, multiple submitters, no conflicts (2 of 4 stars). 3 submissions from 3 submitters: Uncertain significance (3). Last evaluated 2025-12-21.

Allele frequency attached by ClinVar (database versions not stated): gnomAD exomes below 0.00001; gnomAD 0.00001; TOPMed 0.00001.
gnomAD v4.1: 7 of 1,612,306 alleles (0.00043%); highest among the groups gnomAD compares: East Asian, 0.0022%; no homozygotes.

Submissions (3):

Labcorp Genetics (formerly Invitae), Labcorp
Classification: Uncertain significance. Last evaluated: 2025-12-21. Review status: criteria provided, single submitter. Criteria: Invitae Variant Classification Sherloc (09022015). Collection method: clinical testing. Allele origin: germline.
Comment: This sequence change replaces glycine, which is neutral and non-polar, with serine, which is neutral and polar, at codon 919 of the COL11A2 protein (p.Gly919Ser). This variant is present in population databases (no rsID available, gnomAD 0.003%). This missense change has been observed in individual(s) with clinical features of autosomal recessive otospondylomegaepiphyseal dysplasia (PMID: 29620724). ClinVar contains an entry for this variant (Variation ID: 2656484). Invitae Evidence Modeling of protein sequence and biophysical properties (such as structural, functional, and spatial information, amino acid conservation, physicochemical variation, residue mobility, and thermodynamic stability) indicates that this missense variant is expected to disrupt COL11A2 protein function with a positive predictive value of 95%. In summary, the available evidence is currently insufficient to determine the role of this variant in disease. Therefore, it has been classified as a Variant of Uncertain Significance.

Women's Health and Genetics/Laboratory Corporation of America, LabCorp
Classification: Uncertain significance. Last evaluated: 2025-04-15. Review status: criteria provided, single submitter. Criteria: LabCorp Variant Classification Summary - May 2015. Collection method: clinical testing. Allele origin: germline.
Comment: Variant summary: COL11A2 c.2755G>A (p.Gly919Ser) results in a non-conservative amino acid change in the encoded protein sequence. Five of five in-silico tools predict a damaging effect of the variant on protein function. The variant allele was found at a frequency of 8.2e-06 in 244452 control chromosomes. The available data on variant occurrences in the general population are insufficient to allow any conclusion about variant significance. To our knowledge, no occurrence of c.2755G>A in individuals affected with COL11A2-Related Disorders and no experimental evidence demonstrating its impact on protein function have been reported. ClinVar contains an entry for this variant (Variation ID: 2656484). Based on the evidence outlined above, the variant was classified as uncertain significance.

CeGaT Center for Human Genetics Tuebingen
Classification: Uncertain significance. Last evaluated: 2023-09-01. Review status: criteria provided, single submitter. Criteria: CeGaT Center For Human Genetics Tuebingen Variant Classification Criteria Version 2. Collection method: clinical testing. Allele origin: germline. Affected: yes. Observed: 1 variant allele.
Comment: COL11A2: PM1, PM5, PP3

Literature cited by the submitters: PubMed 29620724 (cited by Labcorp Genetics (formerly Invitae), Labcorp).

NM_080680.3(COL11A2):c.2755G>A (p.Gly919Ser)

Gene: COL11A2 (collagen type XI alpha 2 chain; minus strand). Cytogenetic location: 6p21.32.
Variant type: single nucleotide variant.
Coding change: c.2755G>A on transcript NM_080680.3 (MANE Select); coding-DNA position 2755, G replaced by A.
Protein change: p.Gly919Ser; replaces glycine 919 with serine.
Molecular consequence: missense variant.
Genome position (GRCh38, 1-based): chr6:33,173,095, C>T on the plus strand (G>A on the coding strand, the complement: COL11A2 is on the minus strand). VCF-style: chr6-33173095-C-T. GRCh37 (hg19) VCF-style: chr6-33140872-C-T.
Other names: c.2497G>A, p.Gly833Ser (NM_080681.3); c.2575G>A, p.Gly859Ser (NM_001424108.1); c.1909G>A, p.Gly637Ser (NM_001424109.1); c.1729G>A, p.Gly577Ser (NM_001424110.1, NM_001424111.1); c.709G>A, p.Gly237Ser (NM_001424112.1); c.2434G>A, p.Gly812Ser (NM_080679.3); short protein forms G237S, G577S, G637S, G812S, G833S, G859S, G919S.
Identifiers: ClinVar variation 2656484 (VCV002656484.28), dbSNP rs956025660, ClinGen allele CA137068305.